The following is an entry in ClinVar:

NM_032043.3(BRIP1):c.1340+6A>C

Gene: BRIP1 (BRCA1 interacting DNA helicase 1; minus strand). Cytogenetic location: 17q23.2.
Variant type: single nucleotide variant.
Coding change: c.1340+6A>C on transcript NM_032043.3 (MANE Select); 6 bases into the intron after coding-DNA position 1340, A replaced by C.
Molecular consequence: intron variant.
Genome position (GRCh38, 1-based): chr17:61,799,094, T>G on the plus strand (A>C on the coding strand, the complement: BRIP1 is on the minus strand). VCF-style: chr17-61799094-T-G. GRCh37 (hg19) VCF-style: chr17-59876455-T-G.
Identifiers: ClinVar variation 3759503 (VCV003759503.2).

ClinVar aggregate classification (germline): Uncertain significance (1 of 4 stars; one submission).

Conditions:
Fanconi anemia complementation group J. Also called: BRIP1-Related Fanconi Anemia. Identifiers: Orphanet 84, MedGen C1836860, MONDO:0012187, OMIM 609054.
Familial cancer of breast. Also called: BREAST CANCER, FAMILIAL; Hereditary breast cancer; hereditary breast carcinoma. Identifiers: Orphanet 227535, MedGen C0346153, MONDO:0016419, OMIM 114480. Disease mechanism: loss of function.

Submission:

Labcorp Genetics (formerly Invitae), Labcorp
Classification: Uncertain significance for Familial cancer of breast; Fanconi anemia complementation group J. Last evaluated: 2024-10-17. Review status: criteria provided, single submitter. Criteria: Invitae Variant Classification Sherloc (09022015). Collection method: clinical testing. Allele origin: germline.
Comment: This sequence change falls in intron 9 of the BRIP1 gene. It does not directly change the encoded amino acid sequence of the BRIP1 protein. It affects a nucleotide within the consensus splice site. This variant is not present in population databases (gnomAD no frequency). This variant has not been reported in the literature in individuals affected with BRIP1-related conditions. Variants that disrupt the consensus splice site are a relatively common cause of aberrant splicing (PMID: 17576681, 9536098). Algorithms developed to predict the effect of sequence changes on RNA splicing suggest that this variant is not likely to affect RNA splicing. In summary, the available evidence is currently insufficient to determine the role of this variant in disease. Therefore, it has been classified as a Variant of Uncertain Significance.

Literature cited by the submitters: PubMed 17576681; PubMed 9536098.